The following is an entry in ClinVar:

NM_006755.2(TALDO1):c.63C>A (p.Phe21Leu)

Gene: TALDO1 (transaldolase 1; plus strand). Cytogenetic location: 11p15.5.
Variant type: single nucleotide variant.
Coding change: c.63C>A on transcript NM_006755.2 (MANE Select); coding-DNA position 63, C replaced by A.
Protein change: p.Phe21Leu; replaces phenylalanine 21 with leucine.
Molecular consequence: missense variant.
Genome position (GRCh38, 1-based): chr11:747,544, C>A. VCF-style: chr11-747544-C-A. GRCh37 (hg19) VCF-style: chr11-747544-C-A.
Other names: short protein forms F21L.
Identifiers: ClinVar variation 2114277 (VCV002114277.4), dbSNP rs749024627, ClinGen allele CA378925018.
Genomic context (GRCh38, chr11:747,544, plus strand): 5'-GTCGAGCTCACCCGTGAAGCGTCAGAGGATGGAGTCCGCGCTGGACCAGCTCAAGCAGTT[C>A]ACCACCGTGGTGGCCGACACGGGCGACTTCCACGGTGAGGACGGCGCGGAGCCCGGGCGC-3'
Protein context (NP_006746.1, residues 11-31): MESALDQLKQ[Phe21Leu]TTVVADTGDF

ClinVar aggregate classification (germline): Uncertain significance (1 of 4 stars; one submission).

Submission:

Labcorp Genetics (formerly Invitae), Labcorp
Classification: Uncertain significance. Last evaluated: 2022-03-19. Review status: criteria provided, single submitter. Criteria: Invitae Variant Classification Sherloc (09022015). Collection method: clinical testing. Allele origin: germline.
Comment: This sequence change replaces phenylalanine, which is neutral and non-polar, with leucine, which is neutral and non-polar, at codon 21 of the TALDO1 protein (p.Phe21Leu). This variant is not present in population databases (gnomAD no frequency). This variant has not been reported in the literature in individuals affected with TALDO1-related conditions. Algorithms developed to predict the effect of missense changes on protein structure and function (SIFT, PolyPhen-2, Align-GVGD) all suggest that this variant is likely to be tolerated. In summary, the available evidence is currently insufficient to determine the role of this variant in disease. Therefore, it has been classified as a Variant of Uncertain Significance.